The following is an entry in ClinVar:

NM_003722.5(TP63):c.1109A>G (p.Asn370Ser)

Gene: TP63 (tumor protein p63; plus strand). Cytogenetic location: 3q28.
Variant type: single nucleotide variant.
Coding change: c.1109A>G on transcript NM_003722.5 (MANE Select); coding-DNA position 1109, A replaced by G.
Protein change: p.Asn370Ser; replaces asparagine 370 with serine.
Molecular consequence: missense variant.
Genome position (GRCh38, 1-based): chr3:189,868,696, A>G. VCF-style: chr3-189868696-A-G. GRCh37 (hg19) VCF-style: chr3-189586485-A-G.
Other names: c.1109A>G, p.Asn370Ser (NM_001114978.2, NM_001114979.2, NM_001329144.2 and 1 more transcripts); c.827A>G, p.Asn276Ser (NM_001114980.2, NM_001114981.2, NM_001114982.2 and 2 more transcripts); c.572A>G, p.Asn191Ser (NM_001329146.2, NM_001329150.2); c.1103A>G, p.Asn368Ser (NM_001329964.2); short protein forms N276S, N368S, N191S, N370S.
Identifiers: ClinVar variation 3711696 (VCV003711696.1).
Genomic context (GRCh38, chr3:189,868,696, plus strand): 5'-GAGACAGGAAGGCGGATGAAGATAGCATCAGAAAGCAGCAAGTTTCGGACAGTACAAAGA[A>G]CGGTGATGGTACGAAGCGCCGTAAGTAGATGTAGTGGCCAAATGGGGTAGGGTTGAATCT-3'
Protein context (NP_003713.3, residues 360-380): RKQQVSDSTK[Asn370Ser]GDGTKRPFRQ

ClinVar aggregate classification (germline): Uncertain significance (1 of 4 stars; one submission).

Conditions:
TP63-Related Spectrum Disorders.

gnomAD v4.1: 34 of 1,613,962 alleles (0.0021%); highest among the groups gnomAD compares: Non-Finnish European, 0.0027%; no homozygotes.

Submission:

Labcorp Genetics (formerly Invitae), Labcorp
Classification: Uncertain significance. Last evaluated: 2024-09-04. Review status: criteria provided, single submitter. Criteria: Invitae Variant Classification Sherloc (09022015). Collection method: clinical testing. Allele origin: germline.
Comment: This sequence change replaces asparagine, which is neutral and polar, with serine, which is neutral and polar, at codon 370 of the TP63 protein (p.Asn370Ser). This variant is present in population databases (rs762783899, gnomAD 0.0009%). This variant has not been reported in the literature in individuals affected with TP63-related conditions. Invitae Evidence Modeling of protein sequence and biophysical properties (such as structural, functional, and spatial information, amino acid conservation, physicochemical variation, residue mobility, and thermodynamic stability) has been performed for this missense variant. However, the output from this modeling did not meet the statistical confidence thresholds required to predict the impact of this variant on TP63 protein function. In summary, the available evidence is currently insufficient to determine the role of this variant in disease. Therefore, it has been classified as a Variant of Uncertain Significance.